The following is an entry in ClinVar:

ClinVar aggregate classification (germline): Uncertain significance (1 of 4 stars; one submission).

Conditions:
Dilated cardiomyopathy 1HH (CMD1HH). Identifiers: Orphanet 154, MedGen C3151293, MONDO:0013479, OMIM 613881.
Myofibrillar myopathy 6. Identifiers: Orphanet 199340, MedGen C2751831, MONDO:0013061, OMIM 612954.

Submission:

Labcorp Genetics (formerly Invitae), Labcorp
Classification: Uncertain significance for Dilated cardiomyopathy 1HH; Myofibrillar myopathy 6. Last evaluated: 2025-03-07. Review status: criteria provided, single submitter. Criteria: Invitae Variant Classification Sherloc (09022015). Collection method: clinical testing. Allele origin: germline.
Comment: This sequence change creates a premature translational stop signal (p.Asp482Argfs*13) in the BAG3 gene. While this is not anticipated to result in nonsense mediated decay, it is expected to disrupt the last 94 amino acid(s) of the BAG3 protein. This variant is not present in population databases (gnomAD no frequency). This variant has not been reported in the literature in individuals affected with BAG3-related conditions. This variant disrupts a region of the BAG3 protein in which other variant(s) (p.Ala542Val) have been observed in individuals with BAG3-related conditions (internal data). This suggests that this is a clinically significant region of the protein, and that variants that disrupt it are likely to be disease-causing. In summary, the available evidence is currently insufficient to determine the role of this variant in disease. Therefore, it has been classified as a Variant of Uncertain Significance.

NM_004281.4(BAG3):c.1444_1445del (p.Asp482fs)

Gene: BAG3 (BAG cochaperone 3; plus strand). Cytogenetic location: 10q26.11.
Variant type: Microsatellite.
Coding change: c.1444_1445del on transcript NM_004281.4 (MANE Select); coding-DNA positions 1444 to 1445, 2 bases deleted (GA; older notation c.1444_1445delGA).
Protein change: p.Asp482fs; shifts the reading frame from aspartic acid 482.
Molecular consequence: frameshift variant.
Genome position (GRCh38, 1-based): chr10:119,676,998-119,676,999, GA deleted; deleting any 2 consecutive bases within chr10:119,676,994-119,676,999 gives the same sequence; the c. name uses the placement nearest the transcript's 3' end. VCF-style (leftmost placement, unchanged base first): chr10-119676993-GGA-G. GRCh37 (hg19) VCF-style: chr10-121436505-GGA-G.
Other names: short protein forms D482fs.
Identifiers: ClinVar variation 4783707 (VCV004783707.1).